The following is an entry in ClinVar:

ClinVar aggregate classification (germline): Uncertain significance. Review status: criteria provided, multiple submitters, no conflicts (2 of 4 stars). 4 submissions from 4 submitters: Uncertain significance (4). Last evaluated 2024-03-06.

Conditions:
BAP1-related tumor predisposition syndrome (TPDS1). Also called: Tumor susceptibility linked to germline BAP1 mutations; COMMON Syndrome; TUMOR PREDISPOSITION SYNDROME 1; BAP1 tumor predisposition syndrome. Identifiers: Orphanet 289539, MedGen C3280492, MONDO:0013692, OMIM 614327.
Hereditary cancer-predisposing syndrome. Also called: Neoplastic Syndromes, Hereditary; Tumor predisposition; Hereditary Cancer Syndrome; Hereditary neoplastic syndrome. Identifiers: Orphanet 140162, MedGen C0027672, MeSH D009386, MONDO:0015356.

Submissions (4):

Color Diagnostics, LLC DBA Color Health
Classification: Uncertain significance for Hereditary cancer-predisposing syndrome. Last evaluated: 2024-03-06. Review status: criteria provided, single submitter. Criteria: ACMG Guidelines, 2015. Collection method: clinical testing. Allele origin: germline.
Comment: This missense variant replaces serine with asparagine at codon 113 of the BAP1 protein. Computational prediction suggests that this variant may not impact protein structure and function (internally defined REVEL score threshold <= 0.5, PMID: 27666373). To our knowledge, functional studies have not been reported for this variant. This variant has not been reported in individuals affected with hereditary cancer in the literature. This variant has not been identified in the general population by the Genome Aggregation Database (gnomAD). The available evidence is insufficient to determine the role of this variant in disease conclusively. Therefore, this variant is classified as a Variant of Uncertain Significance.

Ambry Genetics
Classification: Uncertain significance for Hereditary cancer-predisposing syndrome. Last evaluated: 2023-07-27. Review status: criteria provided, single submitter. Criteria: Ambry Variant Classification Scheme 2023. Collection method: clinical testing. Allele origin: germline.
Comment: The p.S113N variant (also known as c.338G>A), located in coding exon 5 of the BAP1 gene, results from a G to A substitution at nucleotide position 338. The serine at codon 113 is replaced by asparagine, an amino acid with highly similar properties. This amino acid position is conserved. In addition, this alteration is predicted to be tolerated by in silico analysis. Since supporting evidence is limited at this time, the clinical significance of this alteration remains unclear.

GeneDx
Classification: Uncertain significance. Last evaluated: 2022-09-30. Review status: criteria provided, single submitter. Criteria: GeneDx Variant Classification Process June 2021. Collection method: clinical testing. Allele origin: germline. Affected: yes.
Comment: Not observed at significant frequency in large population cohorts (gnomAD); In silico analysis supports that this missense variant does not alter protein structure/function; Has not been previously published as pathogenic or benign to our knowledge

Labcorp Genetics (formerly Invitae), Labcorp
Classification: Uncertain significance for BAP1-related tumor predisposition syndrome. Last evaluated: 2021-03-25. Review status: criteria provided, single submitter. Criteria: Invitae Variant Classification Sherloc (09022015). Collection method: clinical testing. Allele origin: germline.
Comment: This variant is not present in population databases (ExAC no frequency). This sequence change replaces serine with asparagine at codon 113 of the BAP1 protein (p.Ser113Asn). The serine residue is highly conserved and there is a small physicochemical difference between serine and asparagine. This variant has not been reported in the literature in individuals with BAP1-related conditions. ClinVar contains an entry for this variant (Variation ID: 924390). In summary, the available evidence is currently insufficient to determine the role of this variant in disease. Therefore, it has been classified as a Variant of Uncertain Significance. Algorithms developed to predict the effect of missense changes on protein structure and function are either unavailable or do not agree on the potential impact of this missense change (SIFT: "Tolerated"; PolyPhen-2: "Possibly Damaging"; Align-GVGD: "Class C0").

NM_004656.4(BAP1):c.338G>A (p.Ser113Asn)

Gene: BAP1 (BRCA1 associated deubiquitinase 1; minus strand). Cytogenetic location: 3p21.1.
Variant type: single nucleotide variant.
Coding change: c.338G>A on transcript NM_004656.4 (MANE Select); coding-DNA position 338, G replaced by A.
Protein change: p.Ser113Asn; replaces serine 113 with asparagine.
Molecular consequence: missense variant.
Genome position (GRCh38, 1-based): chr3:52,407,995, C>T on the plus strand (G>A on the coding strand, the complement: BAP1 is on the minus strand). VCF-style: chr3-52407995-C-T. GRCh37 (hg19) VCF-style: chr3-52442011-C-T.
Other names: c.338G>A (NM_004656.2); short protein forms S113N.
Identifiers: ClinVar variation 924390 (VCV000924390.17), dbSNP rs1705220109, ClinGen allele CA353112022.